The following is an entry in ClinVar:

ClinVar aggregate classification (germline): Uncertain significance (1 of 4 stars; one submission).

Conditions:
Dilated cardiomyopathy 1KK (CMD1KK). Identifiers: Orphanet 154, Orphanet 75249, MedGen C3714995, MONDO:0014100, OMIM 615248.

Submission:

Labcorp Genetics (formerly Invitae), Labcorp
Classification: Uncertain significance for Dilated cardiomyopathy 1KK. Last evaluated: 2019-10-04. Review status: criteria provided, single submitter. Criteria: Invitae Variant Classification Sherloc (09022015). Collection method: clinical testing. Allele origin: germline.
Comment: This sequence change replaces serine with glycine at codon 803 of the MYPN protein (p.Ser803Gly). The serine residue is moderately conserved and there is a small physicochemical difference between serine and glycine. This variant is not present in population databases (ExAC no frequency). This variant has not been reported in the literature in individuals with MYPN-related conditions. Algorithms developed to predict the effect of missense changes on protein structure and function output the following: SIFT: "Tolerated"; PolyPhen-2: "Benign"; Align-GVGD: "Class C0". The glycine amino acid residue is found in multiple mammalian species, suggesting that this missense change does not adversely affect protein function. These predictions have not been confirmed by published functional studies and their clinical significance is uncertain. In summary, the available evidence is currently insufficient to determine the role of this variant in disease. Therefore, it has been classified as a Variant of Uncertain Significance.

NM_032578.4(MYPN):c.2407A>G (p.Ser803Gly)

Gene: MYPN (myopalladin; plus strand). Cytogenetic location: 10q21.3.
Variant type: single nucleotide variant.
Coding change: c.2407A>G on transcript NM_032578.4 (MANE Select); coding-DNA position 2407, A replaced by G.
Protein change: p.Ser803Gly; replaces serine 803 with glycine.
Molecular consequence: missense variant. On other transcripts: non-coding transcript variant (2).
Genome position (GRCh38, 1-based): chr10:68,174,499, A>G. VCF-style: chr10-68174499-A-G. GRCh37 (hg19) VCF-style: chr10-69934256-A-G.
Other names: c.2407A>G, p.Ser803Gly (NM_001256267.2); c.1525A>G, p.Ser509Gly (NM_001256268.2); short protein forms S509G, S803G.
Identifiers: ClinVar variation 961250 (VCV000961250.9), dbSNP rs1479692619, ClinGen allele CA376847170.